The following is an entry in ClinVar:

NM_000161.3(GCH1):c.647G>A (p.Arg216Gln)

Gene: GCH1 (GTP cyclohydrolase 1; minus strand). Cytogenetic location: 14q22.2.
Variant type: single nucleotide variant.
Coding change: c.647G>A on transcript NM_000161.3 (MANE Select); coding-DNA position 647, G replaced by A.
Protein change: p.Arg216Gln; replaces arginine 216 with glutamine.
Molecular consequence: missense variant. On other transcripts: intron variant (3).
Genome position (GRCh38, 1-based): chr14:54,844,123, C>T on the plus strand (G>A on the coding strand, the complement: GCH1 is on the minus strand). VCF-style: chr14-54844123-C-T. GRCh37 (hg19) VCF-style: chr14-55310841-C-T.
Other names: c.647G>A, p.Arg216Gln (NM_001024024.2); c.353G>A, p.Arg118Gln (NM_001424105.1); c.510-1069G>A (NM_001424104.1); c.627-1069G>A (NM_001024071.2); c.627-254G>A (NM_001024070.2); short protein forms R118Q, R216Q.
Identifiers: ClinVar variation 3907631 (VCV003907631.2).

ClinVar aggregate classification (germline): Uncertain significance. Review status: criteria provided, multiple submitters, no conflicts (2 of 4 stars). 2 submissions from 2 submitters: Uncertain significance (2). Last evaluated 2025-06-19.

Conditions:
GTP cyclohydrolase I deficiency. Identifiers: MedGen C0268467, MONDO:0100184.
Dystonia 5 (DRD). Also called: DYSTONIA, PROGRESSIVE, WITH DIURNAL VARIATION; DYSTONIA-PARKINSONISM WITH DIURNAL FLUCTUATION; GTP Cyclohydrolase 1-Deficient Dopa-Responsive Dystonia; Dystonia, DOPA-responsive, with or without hyperphenylalaninemia; DYT-GCH1. Identifiers: Orphanet 98808, MedGen C1851920, MONDO:0007495, OMIM 128230.

gnomAD v4.1: 2 of 1,612,506 alleles (0.00012%); highest among the groups gnomAD compares: East Asian, 0.0022%; no homozygotes.

Submissions (2):

Women's Health and Genetics/Laboratory Corporation of America, LabCorp
Classification: Uncertain significance. Last evaluated: 2025-06-19. Review status: criteria provided, single submitter. Criteria: LabCorp Variant Classification Summary - May 2015. Collection method: clinical testing. Allele origin: germline.
Comment: Variant summary: GCH1 c.647G>A (p.Arg216Gln) results in a conservative amino acid change in the encoded protein sequence. Algorithms developed to predict the effect of missense changes on protein structure and function are either unavailable or do not agree on the potential impact of this missense change. The variant was absent in 248850 control chromosomes. The available data on variant occurrences in the general population are insufficient to allow any conclusion about variant significance. c.647G>A has been observed in an individual affected with Parkinson disease (e.g. Rudakou_2019). These report(s) do not provide unequivocal conclusions about association of the variant with GTP Cyclohydrolase I Deficiency. To our knowledge, no experimental evidence demonstrating an impact on protein function has been reported. The following publication has been ascertained in the context of this evaluation (PMID: 30314816). No submitters have cited clinical-significance assessments for this variant to ClinVar. Based on the evidence outlined above, the variant was classified as uncertain significance.

Labcorp Genetics (formerly Invitae), Labcorp
Classification: Uncertain significance for GTP cyclohydrolase I deficiency; Dystonia 5. Last evaluated: 2025-04-20. Review status: criteria provided, single submitter. Criteria: Invitae Variant Classification Sherloc (09022015). Collection method: clinical testing. Allele origin: germline.
Comment: This sequence change replaces arginine, which is basic and polar, with glutamine, which is neutral and polar, at codon 216 of the GCH1 protein (p.Arg216Gln). This variant is not present in population databases (gnomAD no frequency). This missense change has been observed in individual(s) with Parkinson disease (PMID: 30314816). Invitae Evidence Modeling of protein sequence and biophysical properties (such as structural, functional, and spatial information, amino acid conservation, physicochemical variation, residue mobility, and thermodynamic stability) indicates that this missense variant is expected to disrupt GCH1 protein function with a positive predictive value of 80%. In summary, the available evidence is currently insufficient to determine the role of this variant in disease. Therefore, it has been classified as a Variant of Uncertain Significance.

Literature cited by the submitters: PubMed 30314816 (cited by Women's Health and Genetics/Laboratory Corporation of America, LabCorp and Labcorp Genetics (formerly Invitae), Labcorp).